The following is an entry in ClinVar:

ClinVar aggregate classification (germline): Uncertain significance (1 of 4 stars; one submission).

Conditions:
PKHD1-related disorder. Also called: PKHD1-related condition.

Submission:

PreventionGenetics, part of Exact Sciences
Classification: Uncertain significance for PKHD1-related condition. Last evaluated: 2025-11-30. Review status: criteria provided, single submitter. Criteria: ACMG Guidelines, 2015. Collection method: clinical testing. Allele origin: germline.
Comment: The PKHD1 c.10361G>T variant is predicted to result in the amino acid substitution p.Gly3454Val. To our knowledge, this variant has not been reported in the literature or in a large population database (gnomAD), indicating this variant is rare. At this time, the clinical significance of this variant is uncertain due to the absence of conclusive functional and genetic evidence.

NM_138694.4(PKHD1):c.10361G>T (p.Gly3454Val)

Gene: PKHD1 (PKHD1 ciliary IPT domain containing fibrocystin/polyductin; minus strand). Cytogenetic location: 6p12.3.
Variant type: single nucleotide variant.
Coding change: c.10361G>T on transcript NM_138694.4 (MANE Select); coding-DNA position 10361, G replaced by T.
Protein change: p.Gly3454Val; replaces glycine 3454 with valine.
Molecular consequence: missense variant.
Genome position (GRCh38, 1-based): chr6:51,659,765, C>A on the plus strand (G>T on the coding strand, the complement: PKHD1 is on the minus strand). VCF-style: chr6-51659765-C-A. GRCh37 (hg19) VCF-style: chr6-51524563-C-A.
Other names: short protein forms G3454V.
Identifiers: ClinVar variation 4983112 (VCV004983112.1).